The following is an entry in ClinVar:

NM_032119.4(ADGRV1):c.7702G>A (p.Val2568Ile)

Gene: ADGRV1 (adhesion G protein-coupled receptor V1; plus strand). Cytogenetic location: 5q14.3.
Variant type: single nucleotide variant.
Coding change: c.7702G>A on transcript NM_032119.4 (MANE Select); coding-DNA position 7702, G replaced by A.
Protein change: p.Val2568Ile; replaces valine 2568 with isoleucine.
Molecular consequence: missense variant. On other transcripts: non-coding transcript variant (1).
Genome position (GRCh38, 1-based): chr5:90,694,458, G>A. VCF-style: chr5-90694458-G-A. GRCh37 (hg19) VCF-style: chr5-89990275-G-A.
Other names: short protein forms V2568I.
Identifiers: ClinVar variation 906333 (VCV000906333.6), dbSNP rs770016069, ClinGen allele CA3340072.
Genomic context (GRCh38, chr5:90,694,458, plus strand): 5'-ATGAACATTTCAGCCAGTTTGAAAAATCAGCCAACCATAGGACAGCCAAATATTTCTACA[G>A]TTGTCATAGCACTAAATGGTGATGCCTTTGGAGTGTTTGTGATCTACAATATTAGTCCCA-3'
Protein context (NP_115495.3, residues 2558-2578): PTIGQPNIST[Val2568Ile]VIALNGDAFG

ClinVar aggregate classification (germline): Uncertain significance. Review status: criteria provided, multiple submitters, no conflicts (2 of 4 stars). 3 submissions from 3 submitters: Uncertain significance (3). Last evaluated 2024-06-24.

Conditions:
Usher syndrome type 2C. Also called: Usher syndrome, type 2B; USHER SYNDROME, TYPE IIC. Identifiers: Orphanet 231178, Orphanet 886, MedGen C2931213, MONDO:0011558, OMIM 605472.

Allele frequency attached by ClinVar (database versions not stated): gnomAD exomes below 0.00001 and 0.00001; ExAC 0.00001.
gnomAD v4.1: 20 of 1,613,900 alleles (0.0012%); highest among the groups gnomAD compares: Non-Finnish European, 0.0017%; no homozygotes.

Submissions (3):

GeneDx
Classification: Uncertain significance. Last evaluated: 2024-06-24. Review status: criteria provided, single submitter. Criteria: GeneDx Variant Classification Process June 2021. Collection method: clinical testing. Allele origin: germline. Affected: yes.
Comment: Not observed at significant frequency in large population cohorts (gnomAD); In silico analysis indicates that this missense variant does not alter protein structure/function; Has not been previously published as pathogenic or benign to our knowledge

Blueprint Genetics
Classification: Uncertain significance. Last evaluated: 2023-03-13. Review status: criteria provided, single submitter. Criteria: ACMG Guidelines, 2015. Collection method: clinical testing. Allele origin: germline.

Illumina Laboratory Services, Illumina
Classification: Uncertain significance for Usher syndrome type 2C. Last evaluated: 2018-01-12. Review status: criteria provided, single submitter. Criteria: ICSL Variant Classification Criteria 13 December 2019. Collection method: clinical testing. Allele origin: germline.